The following is an entry in ClinVar:

ClinVar aggregate classification (germline): Benign/Likely benign. Review status: criteria provided, multiple submitters, no conflicts (2 of 4 stars). 8 submissions from 8 submitters: Benign (5); Likely benign (3). Last evaluated 2026-01-25.

Conditions:
Autosomal recessive nonsyndromic hearing loss 30. Identifiers: Orphanet 90636, MedGen C1846784, MONDO:0011774, OMIM 607101.

Allele frequency attached by ClinVar (database versions not stated): ExAC 0.00350; gnomAD 0.01150 and 0.01220; ESP Exome Variant Server 0.01261; TOPMed 0.01269; 1000 Genomes Project 0.01318; 1000 Genomes Project 30x 0.01343.
gnomAD v4.1: 3,627 of 1,614,154 alleles (0.22%); highest among the groups gnomAD compares: African/African-American, 3.9%; 61 homozygotes.

Submissions (8):

Labcorp Genetics (formerly Invitae), Labcorp
Classification: Benign. Last evaluated: 2026-01-25. Review status: criteria provided, single submitter. Criteria: Invitae Variant Classification Sherloc (09022015). Collection method: clinical testing. Allele origin: germline.

Mayo Clinic Laboratories, Mayo Clinic
Classification: Benign. Last evaluated: 2025-03-24. Review status: criteria provided, single submitter. Criteria: ACMG Guidelines, 2015. Collection method: clinical testing. Allele origin: germline. Observed: 1 variant allele.
Comment: BA1, BS2

Fulgent Genetics
Classification: Likely benign for Autosomal recessive nonsyndromic hearing loss 30. Last evaluated: 2021-09-08. Review status: criteria provided, single submitter. Criteria: ACMG Guidelines, 2015. Collection method: clinical testing. Allele origin: unknown.

ARUP Laboratories, Molecular Genetics and Genomics, ARUP Laboratories
Classification: Benign for Autosomal recessive nonsyndromic hearing loss 30. Last evaluated: 2019-07-28. Review status: criteria provided, single submitter. Criteria: ARUP Molecular Germline Variant Investigation Process. Collection method: clinical testing. Allele origin: germline.

GeneDx
Classification: Benign. Last evaluated: 2018-02-26. Review status: criteria provided, single submitter. Criteria: GeneDx Variant Classification (06012015). Collection method: clinical testing. Allele origin: germline. Affected: yes.
Comment: This variant is considered likely benign or benign based on one or more of the following criteria: it is a conservative change, it occurs at a poorly conserved position in the protein, it is predicted to be benign by multiple in silico algorithms, and/or has population frequency not consistent with disease.

Illumina Laboratory Services, Illumina
Classification: Likely benign for Autosomal recessive nonsyndromic hearing loss 30. Last evaluated: 2017-04-27. Review status: criteria provided, single submitter. Criteria: ICSL Variant Classification Criteria 13 December 2019. Collection method: clinical testing. Allele origin: germline.
Comment: This variant was observed as part of a predisposition screen in an ostensibly healthy population. A literature search was performed for the gene, cDNA change, and amino acid change (where applicable). No publications were found based on this search. Allele frequency data from public databases allowed determination this variant is unlikely to cause disease. Therefore, this variant is classified as likely benign.

Laboratory for Molecular Medicine, Mass General Brigham Personalized Medicine
Classification: Benign. Last evaluated: 2012-05-07. Review status: criteria provided, single submitter. Criteria: LMM Criteria. Collection method: clinical testing. Allele origin: germline. Observed: 15 variant alleles.
Comment: Thr178Ile in Exon 07 of MYO3A: This variant is not expected to have clinical sig nificance because it has been identified in 3.7% (139/3738) of African American chromosomes from a broad population by the NHLBI Exome Sequencing Project (dbSNP rs33968748).

Breakthrough Genomics
Classification: Likely benign. Review status: criteria provided, single submitter. Criteria: ACMG Guidelines, 2015. Collection method: not provided. Allele origin: germline. Inheritance: Autosomal recessive inheritance. Affected: yes.

NM_017433.5(MYO3A):c.533C>T (p.Thr178Ile)

Gene: MYO3A (myosin IIIA; plus strand). Cytogenetic location: 10p12.1.
Variant type: single nucleotide variant.
Coding change: c.533C>T on transcript NM_017433.5 (MANE Select); coding-DNA position 533, C replaced by T.
Protein change: p.Thr178Ile; replaces threonine 178 with isoleucine.
Molecular consequence: missense variant.
Genome position (GRCh38, 1-based): chr10:26,016,844, C>T. VCF-style: chr10-26016844-C-T. GRCh37 (hg19) VCF-style: chr10-26305773-C-T.
Other names: c.533C>T, p.Thr178Ile (NM_001368265.1); short protein forms T178I.
Identifiers: ClinVar variation 45819 (VCV000045819.28), dbSNP rs33968748, ClinGen allele CA137099.